The following is an entry in ClinVar:

ClinVar aggregate classification (germline): Likely benign (1 of 4 stars; one submission).

Submission:

CeGaT Center for Human Genetics Tuebingen
Classification: Likely benign. Last evaluated: 2022-08-01. Review status: criteria provided, single submitter. Criteria: CeGaT Center For Human Genetics Tuebingen Variant Classification Criteria Version 2. Collection method: clinical testing. Allele origin: germline. Affected: yes. Observed: 1 variant allele.
Comment: DLG3: BP4, BP7

NM_021120.4(DLG3):c.96C>T (p.Asp32=)

Gene: DLG3 (discs large MAGUK scaffold protein 3; plus strand). Cytogenetic location: Xq13.1.
Variant type: single nucleotide variant.
Coding change: c.96C>T on transcript NM_021120.4 (MANE Select); coding-DNA position 96, C replaced by T.
Protein change: p.Asp32=; no amino-acid change (aspartic acid 32 retained).
Molecular consequence: synonymous variant.
Genome position (GRCh38, 1-based): chrX:70,445,297, C>T. VCF-style: chrX-70445297-C-T. GRCh37 (hg19) VCF-style: chrX-69665147-C-T.
Identifiers: ClinVar variation 2660822 (VCV002660822.24), dbSNP rs1235775561, ClinGen allele CA517046775.
Genomic context (GRCh38, chrX:70,445,297, plus strand): 5'-GTGCTATGAGGTGACCCGCCTGGCCGCCCTGCGGCGCCTCGAGCCTCCGGGCTACGGCGA[C>T]TGGCAAGTCCCCGACCCTTACGGGCCAGGTGGGGGCAACGGCGCCAGCGCGGGTTATGGG-3'
Protein context (NP_066943.2, residues 22-42): LRRLEPPGYG[Asp32=]WQVPDPYGPG